The following is an entry in ClinVar:

NM_001080517.3(SETD5):c.2564C>T (p.Thr855Ile)

Gene: SETD5 (SET domain containing 5; plus strand). Cytogenetic location: 3p25.3.
Variant type: single nucleotide variant.
Coding change: c.2564C>T on transcript NM_001080517.3 (MANE Select); coding-DNA position 2564, C replaced by T.
Protein change: p.Thr855Ile; replaces threonine 855 with isoleucine.
Molecular consequence: missense variant.
Genome position (GRCh38, 1-based): chr3:9,464,512, C>T. VCF-style: chr3-9464512-C-T. GRCh37 (hg19) VCF-style: chr3-9506196-C-T.
Other names: c.2270C>T, p.Thr757Ile (NM_001292043.2, NM_001349451.2); short protein forms T757I, T855I.
Identifiers: ClinVar variation 3371739 (VCV003371739.1).

ClinVar aggregate classification (germline): Uncertain significance (1 of 4 stars; one submission).

gnomAD v4.1: 1 of 1,613,900 alleles (0.000062%); highest among the groups gnomAD compares: East Asian, 0.0022%; no homozygotes.

Submission:

GeneDx
Classification: Uncertain significance. Last evaluated: 2024-03-27. Review status: criteria provided, single submitter. Criteria: GeneDx Variant Classification Process June 2021. Collection method: clinical testing. Allele origin: germline. Affected: yes.
Comment: Not observed at significant frequency in large population cohorts (gnomAD); In silico analysis supports that this missense variant has a deleterious effect on protein structure/function; Has not been previously published as pathogenic or benign to our knowledge